The following is an entry in ClinVar:

ClinVar aggregate classification (germline): Uncertain significance. Review status: criteria provided, multiple submitters, no conflicts (2 of 4 stars). 2 submissions from 2 submitters: Uncertain significance (2). Last evaluated 2026-08-01.

Conditions:
Spastic paraplegia. Identifiers: MedGen C0037772, HP:0001258.

gnomAD v4.1: 46 of 1,608,170 alleles (0.0029%); highest among the groups gnomAD compares: Non-Finnish European, 0.0037%; no homozygotes.

Submissions (2):

CeGaT Center for Human Genetics Tuebingen
Classification: Uncertain significance. Last evaluated: 2026-08-01. Review status: criteria provided, single submitter. Criteria: CeGaT Center For Human Genetics Tuebingen Variant Classification Criteria Version 2. Collection method: clinical testing. Allele origin: germline. Affected: yes. Observed: 1 variant allele.
Comment: ERLIN2: PM2, BP4

Labcorp Genetics (formerly Invitae), Labcorp
Classification: Uncertain significance for Spastic paraplegia. Last evaluated: 2025-02-25. Review status: criteria provided, single submitter. Criteria: Invitae Variant Classification Sherloc (09022015). Collection method: clinical testing. Allele origin: germline.
Comment: This sequence change falls in intron 6 of the ERLIN2 gene. It does not directly change the encoded amino acid sequence of the ERLIN2 protein. It affects a nucleotide within the consensus splice site. This variant is present in population databases (rs763488476, gnomAD 0.004%). This variant has not been reported in the literature in individuals affected with ERLIN2-related conditions. Variants that disrupt the consensus splice site are a relatively common cause of aberrant splicing (PMID: 17576681, 9536098). Algorithms developed to predict the effect of sequence changes on RNA splicing suggest that this variant is not likely to affect RNA splicing. In summary, the available evidence is currently insufficient to determine the role of this variant in disease. Therefore, it has been classified as a Variant of Uncertain Significance.

Literature cited by the submitters: PubMed 17576681 (cited by Labcorp Genetics (formerly Invitae), Labcorp); PubMed 9536098 (cited by Labcorp Genetics (formerly Invitae), Labcorp).

NM_007175.8(ERLIN2):c.425-3C>T

Gene: ERLIN2 (ER lipid raft associated 2; plus strand). Cytogenetic location: 8p11.23.
Variant type: single nucleotide variant.
Coding change: c.425-3C>T on transcript NM_007175.8 (MANE Select); 3 bases into the intron before coding-DNA position 425, C replaced by T.
Molecular consequence: intron variant.
Genome position (GRCh38, 1-based): chr8:37,749,556, C>T. VCF-style: chr8-37749556-C-T. GRCh37 (hg19) VCF-style: chr8-37607074-C-T.
Other names: c.425-3C>T (NM_001362878.2).
Identifiers: ClinVar variation 3703287 (VCV003703287.3).
Genomic context (GRCh38, chr8:37,749,556, plus strand): 5'-TCCTGCCCTCCCTCATCTAGAAAGTGTAACAACTCCTTTTTCTCCATCTTTTCTTTATTC[C>T]AGATCAGATTGATGAAAATCTCAAACTGGCTTTGCAACAGGACCTGACCTCCATGGCCCC-3'